The following is an entry in ClinVar:

NM_000180.4(GUCY2D):c.2344C>T (p.Leu782Phe)

Gene: GUCY2D (guanylate cyclase 2D, retinal; plus strand). Cytogenetic location: 17p13.1.
Variant type: single nucleotide variant.
Coding change: c.2344C>T on transcript NM_000180.4 (MANE Select); coding-DNA position 2344, C replaced by T.
Protein change: p.Leu782Phe; replaces leucine 782 with phenylalanine.
Molecular consequence: missense variant.
Genome position (GRCh38, 1-based): chr17:8,013,960, C>T. VCF-style: chr17-8013960-C-T. GRCh37 (hg19) VCF-style: chr17-7917278-C-T.
Other names: short protein forms L782F.
Identifiers: ClinVar variation 3752719 (VCV003752719.2).
Genomic context (GRCh38, chr17:8,013,960, plus strand): 5'-AGCCCCCCTCCACTGTGTCGGCCCTTGGTGTCCATGGACCAGGCACCTGTCGAGTGTATC[C>T]TCCTGATGAAGCAGTGCTGGGCAGAGCAGCCGGAACTTCGGCCCTCCATGGACCACACCT-3'
Protein context (NP_000171.1, residues 772-792): SMDQAPVECI[Leu782Phe]LMKQCWAEQP

ClinVar aggregate classification (germline): Uncertain significance (1 of 4 stars; one submission).

Conditions:
Cone-rod dystrophy 6 (CORD6). Also called: Cone dystrophy progressive; RETINAL CONE DYSTROPHY 2. Identifiers: Orphanet 1872, MedGen C1866293, MONDO:0011143, OMIM 601777.
Leber congenital amaurosis 1 (LCA1). Also called: AMAUROSIS CONGENITA OF LEBER I; Congenital absence of the rods and cones; Leber's congenital tapetoretinal degeneration; Leber's congenital tapetoretinal dysplasia; RETINAL BLINDNESS, CONGENITAL. Identifiers: Orphanet 65, MedGen C2931258, MONDO:0008764, OMIM 204000.

gnomAD v4.1: 2 of 1,613,656 alleles (0.00012%); highest among the groups gnomAD compares: Non-Finnish European, 0.00017%; no homozygotes.

Submission:

Labcorp Genetics (formerly Invitae), Labcorp
Classification: Uncertain significance for Leber congenital amaurosis 1; Cone-rod dystrophy 6. Last evaluated: 2024-06-02. Review status: criteria provided, single submitter. Criteria: Invitae Variant Classification Sherloc (09022015). Collection method: clinical testing. Allele origin: germline.
Comment: This sequence change replaces leucine, which is neutral and non-polar, with phenylalanine, which is neutral and non-polar, at codon 782 of the GUCY2D protein (p.Leu782Phe). This variant is present in population databases (rs749164572, gnomAD 0.02%). This variant has not been reported in the literature in individuals affected with GUCY2D-related conditions. Advanced modeling of protein sequence and biophysical properties (such as structural, functional, and spatial information, amino acid conservation, physicochemical variation, residue mobility, and thermodynamic stability) performed at Invitae indicates that this missense variant is not expected to disrupt GUCY2D protein function with a negative predictive value of 80%. In summary, the available evidence is currently insufficient to determine the role of this variant in disease. Therefore, it has been classified as a Variant of Uncertain Significance.